The following is an entry in ClinVar:

ClinVar aggregate classification (germline): Pathogenic (1 of 4 stars; one submission).

Conditions:
Brody myopathy. Also called: BRODY DISEASE. Identifiers: Orphanet 53347, MedGen C1832918, MONDO:0010977, OMIM 601003.

Submission:

Labcorp Genetics (formerly Invitae), Labcorp
Classification: Pathogenic for Brody myopathy. Last evaluated: 2020-03-26. Review status: criteria provided, single submitter. Criteria: Invitae Variant Classification Sherloc (09022015). Collection method: clinical testing. Allele origin: germline.
Comment: This variant is an out-of-frame deletion of the genomic region encompassing exons 7-9 of the ATP2A1 gene. This is expected to create a premature translational stop signal and result in an absent or disrupted protein product. This variant has not been reported in the literature in individuals with ATP2A1-related conditions. Loss-of-function variants in ATP2A1 are known to be pathogenic (PMID: 8841193, 10914677, 23911890). For these reasons, this variant has been classified as Pathogenic.

Literature cited by the submitters: PubMed 8841193; PubMed 10914677; PubMed 23911890.

NC_000016.10:g.(?_28887179)_(28888963_?)del

Gene: ATP2A1 (ATPase sarcoplasmic/endoplasmic reticulum Ca2+ transporting 1; plus strand). Cytogenetic location: 16p11.2.
Variant type: Deletion.
Identifiers: ClinVar variation 832700 (VCV000832700.6).